The following is an entry in ClinVar:

NM_000179.3(MSH6):c.94G>A (p.Gly32Ser)

Gene: MSH6 (mutS homolog 6; plus strand). Cytogenetic location: 2p16.3.
Variant type: single nucleotide variant.
Coding change: c.94G>A on transcript NM_000179.3 (MANE Select); coding-DNA position 94, G replaced by A.
Protein change: p.Gly32Ser; replaces glycine 32 with serine.
Molecular consequence: missense variant. On other transcripts: 5 prime UTR variant (1).
Genome position (GRCh38, 1-based): chr2:47,783,327, G>A. VCF-style: chr2-47783327-G-A. GRCh37 (hg19) VCF-style: chr2-48010466-G-A.
Other names: c.94G>A, p.Gly32Ser (NM_001281492.2); c.-643G>A (NM_001281493.2); short protein forms G32S.
Identifiers: ClinVar variation 1495303 (VCV001495303.11), dbSNP rs776859837, ClinGen allele CA346734825.

ClinVar aggregate classification (germline): Uncertain significance. Review status: criteria provided, multiple submitters, no conflicts (2 of 4 stars). 3 submissions from 3 submitters: Uncertain significance (3). Last evaluated 2025-03-30.

Conditions:
Hereditary nonpolyposis colorectal neoplasms. Identifiers: MedGen C0009405, MeSH D003123.
Hereditary cancer-predisposing syndrome. Also called: Tumor predisposition; Hereditary neoplastic syndrome; Neoplastic Syndromes, Hereditary; Hereditary Cancer Syndrome. Identifiers: Orphanet 140162, MedGen C0027672, MeSH D009386, MONDO:0015356.

Submissions (3):

Ambry Genetics
Classification: Uncertain significance for Hereditary cancer-predisposing syndrome. Last evaluated: 2025-03-30. Review status: criteria provided, single submitter. Criteria: Ambry Variant Classification Scheme 2023. Collection method: clinical testing. Allele origin: germline.
Comment: The p.G32S variant (also known as c.94G>A), located in coding exon 1 of the MSH6 gene, results from a G to A substitution at nucleotide position 94. The glycine at codon 32 is replaced by serine, an amino acid with similar properties. This amino acid position is conserved. In addition, this alteration is predicted to be tolerated by in silico analysis. Based on the available evidence, the clinical significance of this variant remains unclear.

Labcorp Genetics (formerly Invitae), Labcorp
Classification: Uncertain significance for Hereditary nonpolyposis colorectal neoplasms. Last evaluated: 2024-04-02. Review status: criteria provided, single submitter. Criteria: Invitae Variant Classification Sherloc (09022015). Collection method: clinical testing. Allele origin: germline.
Comment: This sequence change replaces glycine, which is neutral and non-polar, with serine, which is neutral and polar, at codon 32 of the MSH6 protein (p.Gly32Ser). This variant is not present in population databases (gnomAD no frequency). This variant has not been reported in the literature in individuals affected with MSH6-related conditions. ClinVar contains an entry for this variant (Variation ID: 1495303). Advanced modeling of protein sequence and biophysical properties (such as structural, functional, and spatial information, amino acid conservation, physicochemical variation, residue mobility, and thermodynamic stability) performed at Invitae indicates that this missense variant is not expected to disrupt MSH6 protein function with a negative predictive value of 95%. In summary, the available evidence is currently insufficient to determine the role of this variant in disease. Therefore, it has been classified as a Variant of Uncertain Significance.

GeneDx
Classification: Uncertain significance. Last evaluated: 2022-01-25. Review status: criteria provided, single submitter. Criteria: GeneDx Variant Classification Process June 2021. Collection method: clinical testing. Allele origin: germline. Affected: yes.
Comment: Not observed at significant frequency in large population cohorts (gnomAD); In silico analysis supports that this missense variant does not alter protein structure/function; Has not been previously published as pathogenic or benign to our knowledge